The following is an entry in ClinVar:

ClinVar aggregate classification (germline): Likely pathogenic (1 of 4 stars; one submission).

Conditions:
Nemaline myopathy 2 (NEM2). Also called: Nemaline myopathy 2, autosomal recessive. Identifiers: MedGen C1850569, MONDO:0009725, OMIM 256030.

Submission:

Myriad Genetics, Inc.
Classification: Likely pathogenic for Nemaline myopathy 2. Last evaluated: 2022-03-31. Review status: criteria provided, single submitter. Criteria: Myriad Women's Health Autosomal Recessive and X-Linked Classification Criteria (2021). Collection method: clinical testing. Allele origin: unknown.
Comment: NM_001271208.1(NEB):c.2716A>T(K906*) is expected to be pathogenic in the context of NEB-related nemaline myopathy. This variant is predicted to lead to an abnormal or absent protein product due to the creation of a premature termination codon in NEB, a gene where loss-of-function variants are known to be pathogenic. Please note: this variant was assessed in the context of healthy population screening.

NM_001164508.2(NEB):c.2716A>T (p.Lys906Ter)

Gene: NEB (nebulin; minus strand). Cytogenetic location: 2q23.3.
Variant type: single nucleotide variant.
Coding change: c.2716A>T on transcript NM_001164508.2 (MANE Select); coding-DNA position 2716, A replaced by T.
Protein change: p.Lys906Ter; replaces lysine 906 with a stop codon.
Molecular consequence: nonsense.
Genome position (GRCh38, 1-based): chr2:151,684,897, T>A on the plus strand (A>T on the coding strand, the complement: NEB is on the minus strand). VCF-style: chr2-151684897-T-A. GRCh37 (hg19) VCF-style: chr2-152541411-T-A.
Other names: c.2716A>T, p.Lys906Ter (NM_001164507.2, NM_001271208.2, NM_004543.5); short protein forms K906*.
Identifiers: ClinVar variation 1725714 (VCV001725714.2), dbSNP rs778504182, ClinGen allele CA348822272.